The following is an entry in ClinVar:

NM_198578.4(LRRK2):c.256T>C (p.Cys86Arg)

Gene: LRRK2 (leucine rich repeat kinase 2; plus strand). Cytogenetic location: 12q12.
Variant type: single nucleotide variant.
Coding change: c.256T>C on transcript NM_198578.4 (MANE Select); coding-DNA position 256, T replaced by C.
Protein change: p.Cys86Arg; replaces cysteine 86 with arginine.
Molecular consequence: missense variant.
Genome position (GRCh38, 1-based): chr12:40,232,292, T>C. VCF-style: chr12-40232292-T-C. GRCh37 (hg19) VCF-style: chr12-40626094-T-C.
Other names: short protein forms C86R.
Identifiers: ClinVar variation 3229564 (VCV003229564.1), dbSNP rs1565665382, ClinGen allele CA384401330.
Genomic context (GRCh38, chr12:40,232,292, plus strand): 5'-CATTCTTTAAAACATGTGAATATATGTCTTTCTTGTTTTCAGGTGGGTTGGTCACTTCTG[T>C]GCAAATTAATAGAAGTCTGTCCAGGTACAATGCAAAGCTTAATGGGACCCCAGGATGTTG-3'
Protein context (NP_940980.4, residues 76-96): SVQQVGWSLL[Cys86Arg]KLIEVCPGTM

ClinVar aggregate classification (germline): Uncertain significance (1 of 4 stars; one submission).

Conditions:
Inborn genetic diseases. Identifiers: MedGen C0950123, MeSH D030342.

Allele frequency attached by ClinVar (database versions not stated): gnomAD exomes below 0.00001; TOPMed below 0.00001.
gnomAD v4.1: 2 of 1,614,080 alleles (0.00012%); highest among the groups gnomAD compares: Non-Finnish European, 0.00017%; no homozygotes.

Submission:

Ambry Genetics
Classification: Uncertain significance for Inborn genetic diseases. Last evaluated: 2023-10-22. Review status: criteria provided, single submitter. Criteria: Ambry Variant Classification Scheme 2023. Collection method: clinical testing. Allele origin: germline.
Comment: The p.C86R variant (also known as c.256T>C), located in coding exon 3 of the LRRK2 gene, results from a T to C substitution at nucleotide position 256. The cysteine at codon 86 is replaced by arginine, an amino acid with highly dissimilar properties. This amino acid position is conserved. In addition, the in silico prediction for this alteration is inconclusive. Since supporting evidence is limited at this time, the clinical significance of this alteration remains unclear.